The following is an entry in ClinVar:

NM_001042424.3(NSD2):c.3077G>T (p.Cys1026Phe)

Gene: NSD2 (nuclear receptor binding SET domain protein 2; plus strand). Cytogenetic location: 4p16.3.
Variant type: single nucleotide variant.
Coding change: c.3077G>T on transcript NM_001042424.3 (MANE Select); coding-DNA position 3077, G replaced by T.
Protein change: p.Cys1026Phe; replaces cysteine 1026 with phenylalanine.
Molecular consequence: missense variant.
Genome position (GRCh38, 1-based): chr4:1,959,562, G>T. VCF-style: chr4-1959562-G-T. GRCh37 (hg19) VCF-style: chr4-1961289-G-T.
Other names: c.3077G>T, p.Cys1026Phe (NM_133330.3, NM_133331.3, NM_133335.4); short protein forms C1026F.
Identifiers: ClinVar variation 3372065 (VCV003372065.1).

ClinVar aggregate classification (germline): Uncertain significance (1 of 4 stars; one submission).

Submission:

GeneDx
Classification: Uncertain significance. Last evaluated: 2024-04-11. Review status: criteria provided, single submitter. Criteria: GeneDx Variant Classification Process June 2021. Collection method: clinical testing. Allele origin: germline. Affected: yes.
Comment: Not observed at significant frequency in large population cohorts (gnomAD); In silico analysis supports that this missense variant has a deleterious effect on protein structure/function; Has not been previously published as pathogenic or benign to our knowledge